The following is an entry in ClinVar:

ClinVar aggregate classification (germline): Uncertain significance (1 of 4 stars; one submission).

Conditions:
Long QT syndrome (LQTS). Identifiers: MedGen C0023976, MeSH D008133, MONDO:0002442. Disease mechanism: loss of function. Inheritance: Various modes of inheritance.

Allele frequency attached by ClinVar (database versions not stated): gnomAD exomes below 0.00001 and 0.00001; ExAC 0.00002.
gnomAD v4.1: 3 of 1,614,082 alleles (0.00019%); highest among the groups gnomAD compares: South Asian, 0.0011%; no homozygotes.

Submission:

Labcorp Genetics (formerly Invitae), Labcorp
Classification: Uncertain significance for Long QT syndrome. Last evaluated: 2021-02-19. Review status: criteria provided, single submitter. Criteria: Invitae Variant Classification Sherloc (09022015). Collection method: clinical testing. Allele origin: germline.
Comment: In summary, the available evidence is currently insufficient to determine the role of this variant in disease. Therefore, it has been classified as a Variant of Uncertain Significance. Algorithms developed to predict the effect of missense changes on protein structure and function output the following: SIFT: "Tolerated"; PolyPhen-2: "Benign"; Align-GVGD: "Class C0". The alanine amino acid residue is found in multiple mammalian species, suggesting that this missense change does not adversely affect protein function. These predictions have not been confirmed by published functional studies and their clinical significance is uncertain. This variant has not been reported in the literature in individuals with ANK2-related conditions. This variant is present in population databases (rs747137923, ExAC 0.006%). This sequence change replaces glycine with alanine at codon 2342 of the ANK2 protein (p.Gly2342Ala). The glycine residue is weakly conserved and there is a small physicochemical difference between glycine and alanine.

NM_001148.6(ANK2):c.7025G>C (p.Gly2342Ala)

Genes: ANK2 (ankyrin 2; plus strand), LOC126807137 (CDK7 strongly-dependent group 2 enhancer GRCh37_chr4:114276560-114277759; plus strand). Cytogenetic location: 4q26.
Variant type: single nucleotide variant.
Coding change: c.7025G>C on transcript NM_001148.6 (MANE Select); coding-DNA position 7025, G replaced by C.
Protein change: p.Gly2342Ala; replaces glycine 2342 with alanine.
Molecular consequence: missense variant. On other transcripts: intron variant (68).
Genome position (GRCh38, 1-based): chr4:113,355,643, G>C. VCF-style: chr4-113355643-G-C. GRCh37 (hg19) VCF-style: chr4-114276799-G-C.
Other names: c.6791G>C, p.Gly2264Ala (NM_001386142.1); c.3425G>C, p.Gly1142Ala (NM_001386166.1); c.7166G>C, p.Gly2389Ala (NM_001386174.1); c.7142G>C, p.Gly2381Ala (NM_001386175.1); c.4412-5180G>C (NM_001386186.2, NM_001386148.2); c.4214-5180G>C (NM_001354269.3); c.4292-5180G>C (NM_001386187.2); c.4253-5180G>C (NM_001386147.1); and 35 more; short protein forms G1142A, G2264A, G2389A, G2342A, G2381A.
Identifiers: ClinVar variation 1391793 (VCV001391793.8), dbSNP rs747137923, ClinGen allele CA3051512.